The following is an entry in ClinVar:

ClinVar aggregate classification (germline): Likely pathogenic. Review status: criteria provided, multiple submitters, no conflicts (2 of 4 stars). 2 submissions from 2 submitters: Likely pathogenic (2). Last evaluated 2024-06-03.

Conditions:
Familial dysautonomia. Also called: HSAN III; FD. Identifiers: Orphanet 1764, MedGen C0013364, MONDO:0009131, OMIM 223900. Disease mechanism: loss of function.
Medulloblastoma (MDB). Also called: MEDULLOBLASTOMA PREDISPOSITION SYNDROME; Medulloblastoma, somatic. Identifiers: Orphanet 616, MedGen C0025149, MeSH D008527, MONDO:0007959, OMIM 155255, HP:0002885.

Submissions (2):

Fulgent Genetics
Classification: Likely pathogenic for Medulloblastoma; Familial dysautonomia. Last evaluated: 2024-06-03. Review status: criteria provided, single submitter. Criteria: ACMG Guidelines, 2015. Collection method: clinical testing. Allele origin: germline.

Myriad Genetics, Inc.
Classification: Likely pathogenic for Familial dysautonomia. Last evaluated: 2021-12-13. Review status: criteria provided, single submitter. Criteria: Myriad Women's Health Autosomal Recessive and X-Linked Classification Criteria (2021). Collection method: clinical testing. Allele origin: unknown.
Comment: NM_003640.3(ELP1):c.2779delA(M927Wfs*10) is expected to be pathogenic in the context of familial dysautonomia. This variant is predicted to lead to an abnormal or absent protein product due to the creation of a premature termination codon in ELP1, a gene where loss-of-function variants are known to be pathogenic. Please note: this variant was assessed in the context of healthy population screening.

NM_003640.5(ELP1):c.2779del (p.Met927fs)

Gene: ELP1 (elongator acetyltransferase complex subunit 1; minus strand). Cytogenetic location: 9q31.3.
Variant type: Deletion.
Coding change: c.2779del on transcript NM_003640.5 (MANE Select); coding-DNA position 2779, one base deleted (A; older notation c.2779delA).
Protein change: p.Met927fs; shifts the reading frame from methionine 927.
Molecular consequence: frameshift variant.
Genome position (GRCh38, 1-based): chr9:108,894,024, T deleted on the plus strand (A on the coding strand, the reverse complement: ELP1 is on the minus strand); the first of 4 consecutive T bases (chr9:108,894,024-108,894,027); deleting any one gives the same sequence. VCF-style (leftmost placement, unchanged base first): chr9-108894023-AT-A. GRCh37 (hg19) VCF-style: chr9-111656303-AT-A.
Other names: c.2437del, p.Met813fs (NM_001318360.2); c.1732del, p.Met578fs (NM_001330749.2); short protein forms M578fs, M813fs, M927fs.
Identifiers: ClinVar variation 1726298 (VCV001726298.3), dbSNP rs2537884437, ClinGen allele CA2580079374.
Genomic context (GRCh38, chr9:108,894,023, plus strand): 5'-ATGGCTTTTTCATATCGTTTCAAGTATTTGTCTATAGTAAACCGCTGATAATTAGTTTCC[AT>A]TTTCTTAAGTGTATTAAGAAATGGAAGATATTCTTTGGGATCCTAAAAAAATGATTAATG-3'